The following is an entry in ClinVar:

NM_002334.4(LRP4):c.1310-3C>T

Gene: LRP4 (LDL receptor related protein 4; minus strand). Cytogenetic location: 11p11.2.
Variant type: single nucleotide variant.
Coding change: c.1310-3C>T on transcript NM_002334.4 (MANE Select); 3 bases into the intron before coding-DNA position 1310, C replaced by T.
Molecular consequence: intron variant.
Genome position (GRCh38, 1-based): chr11:46,894,822, G>A on the plus strand (C>T on the coding strand, the complement: LRP4 is on the minus strand). VCF-style: chr11-46894822-G-A. GRCh37 (hg19) VCF-style: chr11-46916373-G-A.
Identifiers: ClinVar variation 1398622 (VCV001398622.6), dbSNP rs1941491191, ClinGen allele CA1969145072.
Genomic context (GRCh38, chr11:46,894,822, plus strand): 5'-TGTGGCAGCACCTGCCGGATGTCGATGCGATTGGCGAACAGCAGCACAGGCTCTGGCCCT[G>A]GGAAACAGTATAAACATGGGATACCCACTGGGTTTCAGAGCCGCCCCTGGTACCCATCAG-3'

ClinVar aggregate classification (germline): Uncertain significance (1 of 4 stars; one submission).

Conditions:
Sclerosteosis 2 (SOST2). Identifiers: Orphanet 3152, MedGen C3280402, MONDO:0013679, OMIM 614305.
Congenital myasthenic syndrome 17. Identifiers: Orphanet 590, MedGen C4225377, MONDO:0014578, OMIM 616304.
Cenani-Lenz syndactyly syndrome. Also called: CENANI SYNDACTYLISM; SYNDACTYLY, TYPE VII. Identifiers: Orphanet 3258, MedGen C1859309, MONDO:0008931, OMIM 212780.

Allele frequency attached by ClinVar (database versions not stated): gnomAD exomes below 0.00001; TOPMed below 0.00001.
gnomAD v4.1: 1 of 1,613,308 alleles (0.000062%); highest among the groups gnomAD compares: Non-Finnish European, 0.000085%; no homozygotes.

Submission:

Labcorp Genetics (formerly Invitae), Labcorp
Classification: Uncertain significance for Cenani-Lenz syndactyly syndrome; Sclerosteosis 2; Congenital myasthenic syndrome 17. Last evaluated: 2021-09-17. Review status: criteria provided, single submitter. Criteria: Invitae Variant Classification Sherloc (09022015). Collection method: clinical testing. Allele origin: germline.
Comment: In summary, the available evidence is currently insufficient to determine the role of this variant in disease. Therefore, it has been classified as a Variant of Uncertain Significance. Variants that disrupt the consensus splice site are a relatively common cause of aberrant splicing (PMID: 17576681, 9536098). Algorithms developed to predict the effect of sequence changes on RNA splicing suggest that this variant is not likely to affect RNA splicing. This variant has not been reported in the literature in individuals affected with LRP4-related conditions. This variant is not present in population databases (ExAC no frequency). This sequence change falls in intron 11 of the LRP4 gene. It does not directly change the encoded amino acid sequence of the LRP4 protein. It affects a nucleotide within the consensus splice site of the intron.

Literature cited by the submitters: PubMed 17576681; PubMed 9536098.